The following is an entry in ClinVar:

NM_020831.6(MRTFA):c.1717G>A (p.Gly573Arg)

Gene: MRTFA (myocardin related transcription factor A; minus strand). Cytogenetic location: 22q13.1.
Variant type: single nucleotide variant.
Coding change: c.1717G>A on transcript NM_020831.6 (MANE Select); coding-DNA position 1717, G replaced by A.
Protein change: p.Gly573Arg; replaces glycine 573 with arginine.
Molecular consequence: missense variant.
Genome position (GRCh38, 1-based): chr22:40,419,021, C>T on the plus strand (G>A on the coding strand, the complement: MRTFA is on the minus strand). VCF-style: chr22-40419021-C-T. GRCh37 (hg19) VCF-style: chr22-40815025-C-T.
Other names: c.1417G>A, p.Gly473Arg (NM_001282660.2); c.1567G>A, p.Gly523Arg (NM_001282661.3); c.1717G>A, p.Gly573Arg (NM_001282662.3); c.1522G>A, p.Gly508Arg (NM_001318139.2); short protein forms G473R, G508R, G523R, G573R.
Identifiers: ClinVar variation 1683048 (VCV001683048.9), dbSNP rs202207258, ClinGen allele CA10249574.

ClinVar aggregate classification (germline): Uncertain significance. Review status: criteria provided, multiple submitters, no conflicts (2 of 4 stars). 2 submissions from 2 submitters: Uncertain significance (2). Last evaluated 2025-05-27.

Allele frequency attached by ClinVar (database versions not stated): TOPMed 0.00005; gnomAD 0.00008 and 0.00011; gnomAD exomes 0.00008; ExAC 0.00010.
gnomAD v4.1: 115 of 1,612,558 alleles (0.0071%); highest among the groups gnomAD compares: South Asian, 0.035%; no homozygotes.

Submissions (2):

Labcorp Genetics (formerly Invitae), Labcorp
Classification: Uncertain significance. Last evaluated: 2025-05-27. Review status: criteria provided, single submitter. Criteria: Invitae Variant Classification Sherloc (09022015). Collection method: clinical testing. Allele origin: germline.
Comment: This sequence change replaces glycine, which is neutral and non-polar, with arginine, which is basic and polar, at codon 473 of the MKL1 protein (p.Gly473Arg). This variant is present in population databases (rs202207258, gnomAD 0.04%). This variant has not been reported in the literature in individuals affected with MKL1-related conditions. ClinVar contains an entry for this variant (Variation ID: 1683048). An algorithm developed to predict the effect of missense changes on protein structure and function (PolyPhen-2) suggests that this variant is likely to be disruptive. In summary, the available evidence is currently insufficient to determine the role of this variant in disease. Therefore, it has been classified as a Variant of Uncertain Significance.

Breakthrough Genomics
Classification: Uncertain significance. Review status: criteria provided, single submitter. Criteria: ACMG Guidelines, 2015. Collection method: not provided. Allele origin: germline. Inheritance: Autosomal dominant inheritance. Affected: yes.